The following is an entry in ClinVar:

ClinVar aggregate classification (germline): Uncertain significance (1 of 4 stars; one submission).

Conditions:
Hereditary cancer-predisposing syndrome. Also called: Tumor predisposition; Hereditary Cancer Syndrome; Hereditary neoplastic syndrome; Neoplastic Syndromes, Hereditary. Identifiers: Orphanet 140162, MedGen C0027672, MeSH D009386, MONDO:0015356.

Submission:

Ambry Genetics
Classification: Uncertain significance for Hereditary cancer-predisposing syndrome. Last evaluated: 2023-07-22. Review status: criteria provided, single submitter. Criteria: Ambry Variant Classification Scheme 2023. Collection method: clinical testing. Allele origin: germline.
Comment: The c.-5G>A variant is located in the 5' untranslated region (5&rsquo; UTR) of the RAD51D gene. This variant results from a G to A substitution 5 bases upstream from the first translated codon. This nucleotide position is well conserved in available vertebrate species. Since supporting evidence is limited at this time, the clinical significance of this alteration remains unclear.

NM_002878.4(RAD51D):c.-5G>A

Genes: RAD51D (RAD51 paralog D; minus strand), RAD51L3-RFFL (RAD51L3-RFFL readthrough; minus strand). Cytogenetic location: 17q12.
Variant type: single nucleotide variant.
Coding change: c.-5G>A on transcript NM_002878.4 (MANE Select); 5 bases upstream of the start codon, G replaced by A.
Molecular consequence: 5 prime UTR variant. On other transcripts: non-coding transcript variant (2).
Genome position (GRCh38, 1-based): chr17:35,119,618, C>T on the plus strand (G>A on the coding strand, the complement: RAD51D is on the minus strand). VCF-style: chr17-35119618-C-T. GRCh37 (hg19) VCF-style: chr17-33446637-C-T.
Other names: c.-5G>A (NM_001142571.2, NM_133629.3).
Identifiers: ClinVar variation 2620939 (VCV002620939.2), dbSNP rs1302028963, ClinGen allele CA625782594.